The following is an entry in ClinVar:

ClinVar aggregate classification (germline): Likely benign. Review status: criteria provided, multiple submitters, no conflicts (2 of 4 stars). 2 submissions from 2 submitters: Likely benign (2). Last evaluated 2026-01-28.

Conditions:
Congenital hyperammonemia, type I. Also called: Carbamoyl-phosphate synthase I deficiency; CPS I DEFICIENCY; Carbamoyl phosphate synthetase I deficiency disease; Carbamoyl phosphate synthetase 1 deficiency; Hyperammonemia due to carbamoyl phosphate synthetase 1 deficiency; CPS 1 deficiency. Identifiers: Orphanet 147, MedGen C4082171, MONDO:0009376, OMIM 237300.

Allele frequency attached by ClinVar (database versions not stated): gnomAD exomes 0.00020; ExAC 0.00027; gnomAD 0.00039 and 0.00041; TOPMed 0.00045; ESP Exome Variant Server 0.00069; 1000 Genomes Project 0.00100; 1000 Genomes Project 30x 0.00125.
gnomAD v4.1: 199 of 1,605,412 alleles (0.012%); highest among the groups gnomAD compares: African/African-American, 0.15%; no homozygotes.

Submissions (2):

Labcorp Genetics (formerly Invitae), Labcorp
Classification: Likely benign for Congenital hyperammonemia, type I. Last evaluated: 2026-01-28. Review status: criteria provided, single submitter. Criteria: Invitae Variant Classification Sherloc (09022015). Collection method: clinical testing. Allele origin: germline.

GeneDx
Classification: Likely benign. Last evaluated: 2016-04-12. Review status: criteria provided, single submitter. Criteria: GeneDx Variant Classification (06012015). Collection method: clinical testing. Allele origin: germline. Affected: yes.
Comment: This variant is considered likely benign or benign based on one or more of the following criteria: it is a conservative change, it occurs at a poorly conserved position in the protein, it is predicted to be benign by multiple in silico algorithms, and/or has population frequency not consistent with disease.

NM_001875.5(CPS1):c.2391+20C>T

Gene: CPS1 (carbamoyl-phosphate synthase 1; plus strand). Cytogenetic location: 2q34.
Variant type: single nucleotide variant.
Coding change: c.2391+20C>T on transcript NM_001875.5 (MANE Select); 20 bases into the intron after coding-DNA position 2391, C replaced by T.
Molecular consequence: intron variant.
Genome position (GRCh38, 1-based): chr2:210,608,579, C>T. VCF-style: chr2-210608579-C-T. GRCh37 (hg19) VCF-style: chr2-211473303-C-T.
Other names: c.2391+20C>T (LRG_336t1, NM_001369257.1, NM_001122633.3); c.2424+20C>T (NM_001369256.1).
Identifiers: ClinVar variation 385016 (VCV000385016.10), dbSNP rs376315320, ClinGen allele CA2086622.